The following is an entry in ClinVar:

NM_001009944.3(PKD1):c.1202-10C>A

Gene: PKD1 (polycystin 1, transient receptor potential channel interacting; minus strand). Cytogenetic location: 16p13.3.
Variant type: single nucleotide variant.
Coding change: c.1202-10C>A on transcript NM_001009944.3 (MANE Select); 10 bases into the intron before coding-DNA position 1202, C replaced by A.
Molecular consequence: intron variant.
Genome position (GRCh38, 1-based): chr16:2,117,682, G>T on the plus strand (C>A on the coding strand, the complement: PKD1 is on the minus strand). VCF-style: chr16-2117682-G-T. GRCh37 (hg19) VCF-style: chr16-2167683-G-T.
Other names: c.1202-10C>A (NM_000296.4).
Identifiers: ClinVar variation 3066306 (VCV003066306.1), dbSNP rs529554291, ClinGen allele CA2631139142.

ClinVar aggregate classification (germline): Uncertain significance (1 of 4 stars; one submission).

Conditions:
Polycystic kidney disease, adult type (PKD1). Also called: Polycystic Kidney, Autosomal Dominant; POLYCYSTIC KIDNEY DISEASE 1 WITH OR WITHOUT POLYCYSTIC LIVER DISEASE; Polycystic Kidney Disease 1, Autosomal Dominant; Polycystic kidney disease 1; Polycystic kidney disease 1, severe; POLYCYSTIC KIDNEY DISEASE, ADULT, TYPE I. Identifiers: MedGen C3149841, MONDO:0008263, OMIM 173900.

Submission:

MVZ Medizinische Genetik Mainz
Classification: Uncertain significance for Polycystic kidney disease, adult type. Last evaluated: 2023-09-01. Review status: criteria provided, single submitter. Criteria: UK Practice Guidelines For Variant Classification V4 01 2020. Collection method: clinical testing. Allele origin: germline. Inheritance: Autosomal dominant inheritance. Affected: yes. Observed: 1 variant allele.
Comment: ACMG Criteria: PM2_SUP, PP3, PP4 (ACMG Version 4)